The following is an entry in ClinVar:

ClinVar aggregate classification (germline): Pathogenic. Review status: criteria provided, multiple submitters, no conflicts (2 of 4 stars). 2 submissions from 2 submitters: Pathogenic (2). Last evaluated 2023-06-20.

Conditions:
Combined immunodeficiency due to DOCK8 deficiency (HIES2). Also called: HYPER-IgE SYNDROME 2, AUTOSOMAL RECESSIVE, WITH RECURRENT INFECTIONS; DOCK8 Deficiency; HIES autosomal recessive; Hyper-IgE recurrent infection syndrome, autosomal recessive; HYPER-IgE RECURRENT INFECTION SYNDROME 2, AUTOSOMAL RECESSIVE. Identifiers: Orphanet 217390, MedGen C4722305, MONDO:0009478, OMIM 243700.

Allele frequency attached by ClinVar (database versions not stated): gnomAD exomes below 0.00001.
gnomAD v4.1: 3 of 1,613,828 alleles (0.00019%); highest among the groups gnomAD compares: Non-Finnish European, 0.00025%; no homozygotes.

Submissions (2):

Labcorp Genetics (formerly Invitae), Labcorp
Classification: Pathogenic for Combined immunodeficiency due to DOCK8 deficiency. Last evaluated: 2023-06-20. Review status: criteria provided, single submitter. Criteria: Invitae Variant Classification Sherloc (09022015). Collection method: clinical testing. Allele origin: germline.
Comment: For these reasons, this variant has been classified as Pathogenic. ClinVar contains an entry for this variant (Variation ID: 523786). This premature translational stop signal has been observed in individual(s) with hyper IgE syndrome (PMID: 25724123). The frequency data for this variant in the population databases is considered unreliable, as metrics indicate poor data quality at this position in the gnomAD database. This sequence change creates a premature translational stop signal (p.Arg1388*) in the DOCK8 gene. It is expected to result in an absent or disrupted protein product. Loss-of-function variants in DOCK8 are known to be pathogenic (PMID: 14722525, 19776401).

GeneDx
Classification: Pathogenic. Last evaluated: 2018-04-06. Review status: criteria provided, single submitter. Criteria: GeneDx Variant Classification (06012015). Collection method: clinical testing. Allele origin: germline. Affected: yes.
Comment: The R1388X variant in the DOCK8 gene has been reported previously in the homozygous state in an individual with DOCK8 deficiency (Engelhardt et al., 2015). This variant is predicted to cause loss of normal protein function either through protein truncation or nonsense-mediated mRNA decay. The R1388X variant is not observed in large population cohorts (Lek et al., 2016). We interpret R1388X as a pathogenic variant.

Literature cited by the submitters: PubMed 25724123 (cited by Labcorp Genetics (formerly Invitae), Labcorp); PubMed 14722525 (cited by Labcorp Genetics (formerly Invitae), Labcorp); PubMed 19776401 (cited by Labcorp Genetics (formerly Invitae), Labcorp).

NM_203447.4(DOCK8):c.4162C>T (p.Arg1388Ter)

Gene: DOCK8 (dedicator of cytokinesis 8; plus strand). Cytogenetic location: 9p24.3.
Variant type: single nucleotide variant.
Coding change: c.4162C>T on transcript NM_203447.4 (MANE Select); coding-DNA position 4162, C replaced by T.
Protein change: p.Arg1388Ter; replaces arginine 1388 with a stop codon.
Molecular consequence: nonsense.
Genome position (GRCh38, 1-based): chr9:422,056, C>T. VCF-style: chr9-422056-C-T. GRCh37 (hg19) VCF-style: chr9-422056-C-T.
Other names: c.3862C>T, p.Arg1288Ter (NM_001190458.2); c.3958C>T, p.Arg1320Ter (NM_001193536.2); short protein forms R1388*, R1288*, R1320*.
Identifiers: ClinVar variation 523786 (VCV000523786.5), dbSNP rs1476130680, ClinGen allele CA372764572.